The following is an entry in ClinVar:

ClinVar aggregate classification (germline): Uncertain significance (1 of 4 stars; one submission).

Submission:

Labcorp Genetics (formerly Invitae), Labcorp
Classification: Uncertain significance. Last evaluated: 2024-04-10. Review status: criteria provided, single submitter. Criteria: Invitae Variant Classification Sherloc (09022015). Collection method: clinical testing. Allele origin: germline.
Comment: This sequence change replaces leucine, which is neutral and non-polar, with isoleucine, which is neutral and non-polar, at codon 925 of the CDK13 protein (p.Leu925Ile). This variant is present in population databases (no rsID available, gnomAD 0.004%). This variant has not been reported in the literature in individuals affected with CDK13-related conditions. Advanced modeling of protein sequence and biophysical properties (such as structural, functional, and spatial information, amino acid conservation, physicochemical variation, residue mobility, and thermodynamic stability) has been performed at Invitae for this missense variant, however the output from this modeling did not meet the statistical confidence thresholds required to predict the impact of this variant on CDK13 protein function. In summary, the available evidence is currently insufficient to determine the role of this variant in disease. Therefore, it has been classified as a Variant of Uncertain Significance.

NM_003718.5(CDK13):c.2773T>A (p.Leu925Ile)

Gene: CDK13 (cyclin dependent kinase 13; plus strand). Cytogenetic location: 7p14.1.
Variant type: single nucleotide variant.
Coding change: c.2773T>A on transcript NM_003718.5 (MANE Select); coding-DNA position 2773, T replaced by A.
Protein change: p.Leu925Ile; replaces leucine 925 with isoleucine.
Molecular consequence: missense variant.
Genome position (GRCh38, 1-based): chr7:40,063,093, T>A. VCF-style: chr7-40063093-T-A. GRCh37 (hg19) VCF-style: chr7-40102692-T-A.
Other names: c.2773T>A, p.Leu925Ile (NM_031267.4); short protein forms L925I.
Identifiers: ClinVar variation 3670559 (VCV003670559.2).